The following is an entry in ClinVar:

NM_000069.3(CACNA1S):c.877G>A (p.Gly293Arg)

Gene: CACNA1S (calcium voltage-gated channel subunit alpha1 S; minus strand). Cytogenetic location: 1q32.1.
Variant type: single nucleotide variant.
Coding change: c.877G>A on transcript NM_000069.3 (MANE Select); coding-DNA position 877, G replaced by A.
Protein change: p.Gly293Arg; replaces glycine 293 with arginine.
Molecular consequence: missense variant.
Genome position (GRCh38, 1-based): chr1:201,089,281, C>T on the plus strand (G>A on the coding strand, the complement: CACNA1S is on the minus strand). VCF-style: chr1-201089281-C-T. GRCh37 (hg19) VCF-style: chr1-201058409-C-T.
Other names: short protein forms G293R.
Identifiers: ClinVar variation 2941073 (VCV002941073.3), dbSNP rs1553252531, ClinGen allele CA344134520.

ClinVar aggregate classification (germline): Uncertain significance (1 of 4 stars; one submission).

Conditions:
Malignant hyperthermia, susceptibility to, 5 (MHS5). Also called: CACNA1S-Related Malignant Hyperthermia Susceptibility. Identifiers: Orphanet 423, MedGen C1866077, MONDO:0011163, OMIM 601887.
Hypokalemic periodic paralysis, type 1. Also called: HypoPP; Hypokalemic Periodic Paralysis Type 1 (AD). Identifiers: Orphanet 681, MedGen C3714580, MONDO:0042979, OMIM 170400.

Submission:

Labcorp Genetics (formerly Invitae), Labcorp
Classification: Uncertain significance for Hypokalemic periodic paralysis, type 1; Malignant hyperthermia, susceptibility to, 5. Last evaluated: 2023-10-13. Review status: criteria provided, single submitter. Criteria: Invitae Variant Classification Sherloc (09022015). Collection method: clinical testing. Allele origin: germline.
Comment: This sequence change replaces glycine, which is neutral and non-polar, with arginine, which is basic and polar, at codon 293 of the CACNA1S protein (p.Gly293Arg). This variant is not present in population databases (gnomAD no frequency). This variant has not been reported in the literature in individuals affected with CACNA1S-related conditions. Advanced modeling of protein sequence and biophysical properties (such as structural, functional, and spatial information, amino acid conservation, physicochemical variation, residue mobility, and thermodynamic stability) performed at Invitae indicates that this missense variant is expected to disrupt CACNA1S protein function. In summary, the available evidence is currently insufficient to determine the role of this variant in disease. Therefore, it has been classified as a Variant of Uncertain Significance.